The following is an entry in ClinVar:

ClinVar aggregate classification (germline): Uncertain significance (1 of 4 stars; one submission).

Conditions:
Inborn genetic diseases. Identifiers: MedGen C0950123, MeSH D030342.

Submission:

Ambry Genetics
Classification: Uncertain significance for Inborn genetic diseases. Last evaluated: 2021-02-05. Review status: criteria provided, single submitter. Criteria: Ambry Variant Classification Scheme 2023. Collection method: clinical testing. Allele origin: germline.
Comment: The c.3766G>A (p.V1256I) alteration is located in exon 6 (coding exon 6) of the NHS gene. This alteration results from a G to A substitution at nucleotide position 3766, causing the valine (V) at amino acid position 1256 to be replaced by an isoleucine (I). Based on data from the Genome Aggregation Database (gnomAD), the NHS c.3766G>A alteration was not observed, with coverage at this position. The p.V1256 amino acid is not conserved in available vertebrate species. The p.V1256I alteration is predicted to be tolerated by in silico analysis. Based on insufficient or conflicting evidence, the clinical significance of this alteration remains unclear.

NM_001291867.2(NHS):c.3829G>A (p.Val1277Ile)

Gene: NHS (NHS actin remodeling regulator; plus strand). Cytogenetic location: Xp22.13.
Variant type: single nucleotide variant.
Coding change: c.3829G>A on transcript NM_001291867.2 (MANE Select); coding-DNA position 3829, G replaced by A.
Protein change: p.Val1277Ile; replaces valine 1277 with isoleucine.
Molecular consequence: missense variant.
Genome position (GRCh38, 1-based): chrX:17,727,935, G>A. VCF-style: chrX-17727935-G-A. GRCh37 (hg19) VCF-style: chrX-17746055-G-A.
Other names: c.3298G>A, p.Val1100Ile (NM_001136024.4); c.3235G>A, p.Val1079Ile (NM_001291868.2); c.3766G>A, p.Val1256Ile (NM_198270.4); short protein forms V1100I, V1277I, V1079I, V1256I.
Identifiers: ClinVar variation 2229153 (VCV002229153.2), dbSNP rs2519941641, ClinGen allele CA412366272.
Genomic context (GRCh38, chrX:17,727,935, plus strand): 5'-CCTATTCCAGAAAACACGCCAACCAAAAACTGTGCTTTTCCCACAGAAGGATTTCAGAGG[G>A]TCTCTGCTGCCCGCCCAAATGATTTGGATGGTAAAATAATACAATATGGACCTGGTCCAG-3'
Protein context (NP_001278796.1, residues 1267-1287): CAFPTEGFQR[Val1277Ile]SAARPNDLDG